The following is an entry in ClinVar:

NM_005257.6(GATA6):c.808C>T (p.Pro270Ser)

Gene: GATA6 (GATA binding protein 6; plus strand). Cytogenetic location: 18q11.2.
Variant type: single nucleotide variant.
Coding change: c.808C>T on transcript NM_005257.6 (MANE Select); coding-DNA position 808, C replaced by T.
Protein change: p.Pro270Ser; replaces proline 270 with serine.
Molecular consequence: missense variant.
Genome position (GRCh38, 1-based): chr18:22,171,952, C>T. VCF-style: chr18-22171952-C-T. GRCh37 (hg19) VCF-style: chr18-19751913-C-T.
Other names: short protein forms P270S.
Identifiers: ClinVar variation 4681709 (VCV004681709.5).
Genomic context (GRCh38, chr18:22,171,952, plus strand): 5'-GGCGGCGCTGGCTCAGCCGCGGCGCACGTCTCGGCGCGCTTCCCCTACTCTCCCAGCCCG[C>T]CCATGGCCAACGGCGCCGCGCGGGAGCCGGGAGGCTACGCGGCGGCGGGCAGTGGGGGCG-3'
Protein context (NP_005248.2, residues 260-280): SARFPYSPSP[Pro270Ser]MANGAAREPG

ClinVar aggregate classification (germline): Uncertain significance (1 of 4 stars; one submission).

gnomAD v4.1: 9 of 1,199,974 alleles (0.00075%); highest among the groups gnomAD compares: Non-Finnish European, 0.00093%; no homozygotes.

Submission:

CeGaT Center for Human Genetics Tuebingen
Classification: Uncertain significance. Last evaluated: 2025-12-01. Review status: criteria provided, single submitter. Criteria: CeGaT Center For Human Genetics Tuebingen Variant Classification Criteria Version 2. Collection method: clinical testing. Allele origin: germline. Affected: yes. Observed: 1 variant allele.
Comment: GATA6: PM2:Supporting, PP3